The following is an entry in ClinVar:

ClinVar aggregate classification (germline): Uncertain significance (1 of 4 stars; one submission).

Conditions:
Neuropathy, hereditary sensory and autonomic, type 2A (HSAN2A). Also called: HSAN IIA; ACROOSTEOLYSIS, GIACCAI TYPE; ACROOSTEOLYSIS, NEUROGENIC; WNK1-Related HSAN2 (HSAN2A); MORVAN DISEASE; NEUROPATHY, CONGENITAL SENSORY. Identifiers: Orphanet 970, MedGen C2752089, MONDO:0024309, OMIM 201300.
Pseudohypoaldosteronism type 2C (PHA2C). Also called: Pseudohypoaldosteronism Type IIC. Identifiers: Orphanet 757, Orphanet 88940, MedGen C1840391, MONDO:0013778, OMIM 614492.

gnomAD v4.1: 1 of 1,614,108 alleles (0.000062%); highest among the groups gnomAD compares: Non-Finnish European, 0.000085%; no homozygotes.

Submission:

Labcorp Genetics (formerly Invitae), Labcorp
Classification: Uncertain significance for Neuropathy, hereditary sensory and autonomic, type 2A; Pseudohypoaldosteronism type 2C. Last evaluated: 2018-01-28. Review status: criteria provided, single submitter. Criteria: Invitae Variant Classification Sherloc (09022015). Collection method: clinical testing. Allele origin: germline.
Comment: In summary, the available evidence is currently insufficient to determine the role of this variant in disease. Therefore, it has been classified as a Variant of Uncertain Significance. Algorithms developed to predict the effect of missense changes on protein structure and function output the following: SIFT: "Tolerated"; Align-GVGD: "Class C0". The isoleucine amino acid residue is found in multiple mammalian species, suggesting that this missense change does not adversely affect protein function. These predictions have not been confirmed by published functional studies and their clinical significance is uncertain. This variant has not been reported in the literature in individuals with WNK1-related disease. This variant is not present in population databases (ExAC no frequency). This sequence change replaces valine with isoleucine at codon 730 of the WNK1 protein (p.Val730Ile). The valine residue is moderately conserved and there is a small physicochemical difference between valine and isoleucine.

NM_018979.4(WNK1):c.2188G>A (p.Val730Ile)

Gene: WNK1 (WNK lysine deficient protein kinase 1; plus strand). Cytogenetic location: 12p13.33.
Variant type: single nucleotide variant.
Coding change: c.2188G>A on transcript NM_018979.4 (MANE Select); coding-DNA position 2188, G replaced by A.
Protein change: p.Val730Ile; replaces valine 730 with isoleucine.
Molecular consequence: missense variant.
Genome position (GRCh38, 1-based): chr12:871,313, G>A. VCF-style: chr12-871313-G-A. GRCh37 (hg19) VCF-style: chr12-980479-G-A.
Other names: c.3427G>A, p.Val1143Ile (NM_001184985.2); c.2188G>A, p.Val730Ile (NM_014823.3); c.3682G>A, p.Val1228Ile (NM_213655.5); short protein forms V1228I, V730I, V1143I.
Identifiers: ClinVar variation 573128 (VCV000573128.8), dbSNP rs1290299901, ClinGen allele CA383342946.
Genomic context (GRCh38, chr12:871,313, plus strand): 5'-TCTTTCCTTCAGGCACAGGGGCAGAGCCAGGGTCAGCCATCCTCAAGTAGCTTAACAGGG[G>A]TTTCATCTTCCCAACCCATACAACATCCTCAGCAGGTGAGAACAATGCATTGCAACATTT-3'
Protein context (NP_061852.3, residues 720-740): GQPSSSSLTG[Val730Ile]SSSQPIQHPQ